The following is an entry in ClinVar:

ClinVar aggregate classification (germline): Pathogenic (1 of 4 stars; one submission).

Conditions:
Alveolar capillary dysplasia with pulmonary venous misalignment. Also called: Alveolar capillary dysplasia with misalignment of pulmonary veins; ALVEOLAR CAPILLARY DYSPLASIA WITH MISALIGNMENT OF PULMONARY VEINS AND OTHER CONGENITAL ANOMALIES; Congenital alveolar capillary dysplasia. Identifiers: Orphanet 210122, MedGen C2960310, MONDO:0009934, OMIM 265380.

Submission:

Johns Hopkins Genomics, Johns Hopkins University
Classification: Pathogenic for Alveolar capillary dysplasia with pulmonary venous misalignment. Last evaluated: 2025-02-03. Review status: criteria provided, single submitter. Criteria: ACMG Guidelines, 2015. Collection method: clinical testing. Allele origin: germline.
Comment: This GATA2 variant has not been reported in the literature to our knowledge, but a different cDNA change leading to the same missense change (c.1117_1119delTGTinsGGG, p.Cys373Gly) has been reported to segregate with GATA2 deficiency in multiple members of a published family. GATA2 c.1117T>G is absent from a large population dataset and has not been reported in ClinVar. This variant alters a highly conserved cysteine residue in the second C4 zinc-finger domain of GATA2 and three bioinformatic tools queried predict that this substitution would be damaging. We consider GATA2 c.1117T>G to be pathogenic.

Literature cited by the submitters: PubMed 21892158; PubMed 32682923; PubMed 36268026.

NM_032638.5(GATA2):c.1117T>G (p.Cys373Gly)

Gene: GATA2 (GATA binding protein 2; minus strand). Cytogenetic location: 3q21.3.
Variant type: single nucleotide variant.
Coding change: c.1117T>G on transcript NM_032638.5 (MANE Select); coding-DNA position 1117, T replaced by G.
Protein change: p.Cys373Gly; replaces cysteine 373 with glycine.
Molecular consequence: missense variant.
Genome position (GRCh38, 1-based): chr3:128,481,845, A>C on the plus strand (T>G on the coding strand, the complement: GATA2 is on the minus strand). VCF-style: chr3-128481845-A-C. GRCh37 (hg19) VCF-style: chr3-128200688-A-C.
Other names: c.1117T>G, p.Cys373Gly (NM_001145661.2); c.1075T>G, p.Cys359Gly (NM_001145662.1); short protein forms C359G, C373G.
Identifiers: ClinVar variation 4280067 (VCV004280067.1).